The following is an entry in ClinVar:

ClinVar aggregate classification (germline): Uncertain significance. Review status: criteria provided, multiple submitters, no conflicts (2 of 4 stars). 4 submissions from 4 submitters: Uncertain significance (4). Last evaluated 2026-07-19.

Conditions:
PLEC-related disorder. Also called: PLEC-related condition; PLEC-related disorders.
Autosomal recessive limb-girdle muscular dystrophy type 2Q (LGMDR17). Also called: MUSCULAR DYSTROPHY, LIMB-GIRDLE, AUTOSOMAL RECESSIVE 17. Identifiers: Orphanet 254361, MedGen C3150989, MONDO:0013390, OMIM 613723.
Epidermolysis bullosa simplex, Ogna type (EBS5A). Also called: Pidermolysis bullosa simplex 5A, Ogna type; EPIDERMOLYSIS BULLOSA SIMPLEX 5A, OGNA TYPE. Identifiers: Orphanet 79401, MedGen C0432317, MONDO:0007555, OMIM 131950.
Epidermolysis bullosa simplex with nail dystrophy (EBS5D). Identifiers: MedGen C4225309, MONDO:0014661, OMIM 616487.
Epidermolysis bullosa simplex 5C, with pyloric atresia (EBS5C). Also called: PLEC-Related Epidermolysis Bullosa with Pyloric Atresia; Epidermolysis bullosa simplex with pyloric atresia; PLEC1-Related Epidermolysis Bullosa with Pyloric Atresia. Identifiers: Orphanet 158684, MedGen C2677349, MONDO:0012807, OMIM 612138.
Epidermolysis bullosa simplex 5B, with muscular dystrophy (EBS5B). Also called: EPIDERMOLYSIS BULLOSA SIMPLEX AND LIMB-GIRDLE MUSCULAR DYSTROPHY; Epidermolysis bullosa simplex with muscular dystrophy. Identifiers: Orphanet 257, MedGen C2931072, MONDO:0009181, OMIM 226670.
Inborn genetic diseases. Identifiers: MedGen C0950123, MeSH D030342.

Allele frequency attached by ClinVar (database versions not stated): gnomAD 0.00001 and 0.00002; gnomAD exomes 0.00003; TOPMed 0.00005; ExAC 0.00006.
gnomAD v4.1: 28 of 1,594,886 alleles (0.0018%); highest among the groups gnomAD compares: Admixed American, 0.0033%; no homozygotes.

Submissions (4):

PreventionGenetics, part of Exact Sciences
Classification: Uncertain significance for PLEC-related condition. Last evaluated: 2026-07-19. Review status: criteria provided, single submitter. Criteria: ACMG Guidelines, 2015. Collection method: clinical testing. Allele origin: germline.
Comment: The PLEC c.6109G>C variant is predicted to result in the amino acid substitution p.Glu2037Gln. To our knowledge, this variant has not been reported in the literature. This variant is reported in 0.0062% of alleles in individuals of European (Non-Finnish) descent in gnomAD. At this time, the clinical significance of this variant is uncertain due to the absence of conclusive functional and genetic evidence.

Labcorp Genetics (formerly Invitae), Labcorp
Classification: Uncertain significance for Autosomal recessive limb-girdle muscular dystrophy type 2Q; Epidermolysis bullosa simplex, Ogna type; Epidermolysis bullosa simplex with nail dystrophy; Epidermolysis bullosa simplex 5C, with pyloric atresia; Epidermolysis bullosa simplex 5B, with muscular dystrophy. Last evaluated: 2026-01-08. Review status: criteria provided, single submitter. Criteria: Invitae Variant Classification Sherloc (09022015). Collection method: clinical testing. Allele origin: germline.
Comment: This sequence change replaces glutamic acid, which is acidic and polar, with glutamine, which is neutral and polar, at codon 2037 of the PLEC protein (p.Glu2037Gln). This variant is present in population databases (rs782602923, gnomAD 0.006%). This variant has not been reported in the literature in individuals affected with PLEC-related conditions. ClinVar contains an entry for this variant (Variation ID: 844506). Experimental studies and prediction algorithms are not available or were not evaluated, and the functional significance of this variant is currently unknown. In summary, the available evidence is currently insufficient to determine the role of this variant in disease. Therefore, it has been classified as a Variant of Uncertain Significance.

Ambry Genetics
Classification: Uncertain significance for Inborn genetic diseases. Last evaluated: 2024-09-04. Review status: criteria provided, single submitter. Criteria: Ambry Variant Classification Scheme 2023. Collection method: clinical testing. Allele origin: germline.

Revvity Omics, Revvity
Classification: Uncertain significance. Last evaluated: 2022-01-25. Review status: criteria provided, single submitter. Criteria: ACMG Guidelines, 2015. Collection method: clinical testing. Allele origin: germline.

NM_201384.3(PLEC):c.6028G>C (p.Glu2010Gln)

Gene: PLEC (plectin; minus strand). Cytogenetic location: 8q24.3.
Variant type: single nucleotide variant.
Coding change: c.6028G>C on transcript NM_201384.3 (MANE Select); coding-DNA position 6028, G replaced by C.
Protein change: p.Glu2010Gln; replaces glutamic acid 2010 with glutamine.
Molecular consequence: missense variant.
Genome position (GRCh38, 1-based): chr8:143,923,901, C>G on the plus strand (G>C on the coding strand, the complement: PLEC is on the minus strand). VCF-style: chr8-143923901-C-G. GRCh37 (hg19) VCF-style: chr8-144998069-C-G.
Other names: c.6109G>C, p.Glu2037Gln (NM_000445.5); c.5986G>C, p.Glu1996Gln (NM_201378.4); c.5962G>C, p.Glu1988Gln (NM_201379.3); c.6439G>C, p.Glu2147Gln (NM_201380.4); c.5932G>C, p.Glu1978Gln (NM_201381.3); c.6028G>C, p.Glu2010Gln (NM_201382.4); c.6040G>C, p.Glu2014Gln (NM_201383.3); c.6109G>C (NM_000445.3); short protein forms E2010Q, E1988Q, E2147Q, E1978Q, E1996Q, E2014Q, E2037Q.
Identifiers: ClinVar variation 844506 (VCV000844506.16), dbSNP rs782602923, ClinGen allele CA4926136.